The following is an entry in ClinVar:

NM_004656.4(BAP1):c.259A>G (p.Ile87Val)

Gene: BAP1 (BRCA1 associated deubiquitinase 1; minus strand). Cytogenetic location: 3p21.1.
Variant type: single nucleotide variant.
Coding change: c.259A>G on transcript NM_004656.4 (MANE Select); coding-DNA position 259, A replaced by G.
Protein change: p.Ile87Val; replaces isoleucine 87 with valine.
Molecular consequence: missense variant.
Genome position (GRCh38, 1-based): chr3:52,408,074, T>C on the plus strand (A>G on the coding strand, the complement: BAP1 is on the minus strand). VCF-style: chr3-52408074-T-C. GRCh37 (hg19) VCF-style: chr3-52442090-T-C.
Other names: c.259A>G, p.Ile87Val (NM_001410772.1); short protein forms I87V.
Identifiers: ClinVar variation 4740368 (VCV004740368.1).

ClinVar aggregate classification (germline): Uncertain significance (1 of 4 stars; one submission).

Conditions:
BAP1-related tumor predisposition syndrome (TPDS1). Also called: BAP1 tumor predisposition syndrome; TUMOR PREDISPOSITION SYNDROME 1; Tumor susceptibility linked to germline BAP1 mutations; COMMON Syndrome. Identifiers: Orphanet 289539, MedGen C3280492, MONDO:0013692, OMIM 614327.

Submission:

Labcorp Genetics (formerly Invitae), Labcorp
Classification: Uncertain significance for BAP1-related tumor predisposition syndrome. Last evaluated: 2026-01-31. Review status: criteria provided, single submitter. Criteria: Invitae Variant Classification Sherloc (09022015). Collection method: clinical testing. Allele origin: germline.
Comment: This sequence change replaces isoleucine, which is neutral and non-polar, with valine, which is neutral and non-polar, at codon 87 of the BAP1 protein (p.Ile87Val). This variant is not present in population databases (gnomAD no frequency). This variant has not been reported in the literature in individuals affected with BAP1-related conditions. Invitae Evidence Modeling of protein sequence and biophysical properties (such as structural, functional, and spatial information, amino acid conservation, physicochemical variation, residue mobility, and thermodynamic stability) indicates that this missense variant is not expected to disrupt BAP1 protein function with a negative predictive value of 80%. In summary, the available evidence is currently insufficient to determine the role of this variant in disease. Therefore, it has been classified as a Variant of Uncertain Significance.